The following is an entry in ClinVar:

NM_002473.6(MYH9):c.612+79C>T

Gene: MYH9 (myosin heavy chain 9; minus strand). Cytogenetic location: 22q12.3.
Variant type: single nucleotide variant.
Coding change: c.612+79C>T on transcript NM_002473.6 (MANE Select); 79 bases into the intron after coding-DNA position 612, C replaced by T.
Molecular consequence: intron variant.
Genome position (GRCh38, 1-based): chr22:36,326,489, G>A on the plus strand (C>T on the coding strand, the complement: MYH9 is on the minus strand). VCF-style: chr22-36326489-G-A. GRCh37 (hg19) VCF-style: chr22-36722534-G-A.
Identifiers: ClinVar variation 1291297 (VCV001291297.5), dbSNP rs8136336, ClinGen allele CA14967848.

ClinVar aggregate classification (germline): Benign. Review status: criteria provided, multiple submitters, no conflicts (2 of 4 stars). 3 submissions from 3 submitters: Benign (3). Last evaluated 2024-07-15.

Allele frequency attached by ClinVar (database versions not stated): gnomAD 0.98319 and 0.98368; TOPMed 0.98327; 1000 Genomes Project 30x 0.98376; 1000 Genomes Project 0.98423; gnomAD exomes 0.98788.

Submissions (3):

Unidad de Genómica Garrahan, Hospital de Pediatría Garrahan
Classification: Benign. Last evaluated: 2024-07-15. Review status: criteria provided, single submitter. Criteria: ACMG Guidelines, 2015. Collection method: clinical testing. Allele origin: germline. Affected: no. Observed: 84 variant alleles.
Comment: This variant is classified as Benign based on local population frequency. This variant was detected in 90% of patients studied in a panel designed for Epileptic and Developmental Encephalopathy and Progressive Myoclonus Epilepsy. Number of patients: 84. Only high quality variants are reported.

GeneDx
Classification: Benign. Last evaluated: 2018-06-22. Review status: criteria provided, single submitter. Criteria: GeneDx Variant Classification Process June 2021. Collection method: clinical testing. Allele origin: germline. Affected: yes.

Breakthrough Genomics
Classification: Benign. Review status: criteria provided, single submitter. Criteria: ACMG Guidelines, 2015. Collection method: not provided. Allele origin: germline. Inheritance: Autosomal dominant inheritance. Affected: yes.